The following is an entry in ClinVar:

ClinVar aggregate classification (germline): Uncertain significance. Review status: criteria provided, single submitter (1 of 4 stars). 2 submissions from 2 submitters: Uncertain significance (1). 1 of the submissions does not count toward it. Last evaluated 2025-10-06.

Conditions:
Retinal dystrophy. Also called: Inherited retinal dystrophy. Identifiers: Orphanet 71862, MedGen C0854723, MeSH D058499, MONDO:0019118, HP:0000556.

Allele frequency attached by ClinVar (database versions not stated): TOPMed below 0.00001; gnomAD exomes 0.00001; gnomAD 0.00001; ExAC 0.00002.
gnomAD v4.1: 10 of 1,613,954 alleles (0.00062%); highest among the groups gnomAD compares: Admixed American, 0.0017%; no homozygotes.

Submissions (4):

Labcorp Genetics (formerly Invitae), Labcorp
Classification: Uncertain significance. Last evaluated: 2025-10-06. Review status: criteria provided, single submitter. Criteria: Invitae Variant Classification Sherloc (09022015). Collection method: clinical testing. Allele origin: germline.
Comment: This sequence change replaces glycine, which is neutral and non-polar, with arginine, which is basic and polar, at codon 2033 of the SNRNP200 protein (p.Gly2033Arg). This variant is present in population databases (rs752450131, gnomAD 0.003%). This variant has not been reported in the literature in individuals affected with SNRNP200-related conditions. ClinVar contains an entry for this variant (Variation ID: 1397341). Invitae Evidence Modeling of protein sequence and biophysical properties (such as structural, functional, and spatial information, amino acid conservation, physicochemical variation, residue mobility, and thermodynamic stability) indicates that this missense variant is not expected to disrupt SNRNP200 protein function with a negative predictive value of 95%. In summary, the available evidence is currently insufficient to determine the role of this variant in disease. Therefore, it has been classified as a Variant of Uncertain Significance.

Institute of Human Genetics, Univ. Regensburg, Univ. Regensburg
Classification: Uncertain significance for Retinal dystrophy. Last evaluated: 2020-01-01. Review status: no assertion criteria provided. Criteria: ACMG Guidelines, 2015. Collection method: clinical testing. Allele origin: germline. Affected: yes. Not counted in ClinVar's aggregate classification.

Dr. Peter K. Rogan Lab, Western University
No classification provided (evidence only). Condition: Melanoma. Review status: no classification provided. Collection method: in vitro. Allele origin: not applicable. Functional consequence: retained intron. Not counted in ClinVar's aggregate classification.

Dr. Peter K. Rogan Lab, Western University
No classification provided (evidence only). Condition: Ovarian serous cystadenocarcinoma. Review status: no classification provided. Collection method: in vitro. Allele origin: not applicable. Functional consequence: retained intron. Not counted in ClinVar's aggregate classification.

NM_014014.5(SNRNP200):c.6097G>A (p.Gly2033Arg)

Gene: SNRNP200 (small nuclear ribonucleoprotein U5 subunit 200; minus strand). Cytogenetic location: 2q11.2.
Variant type: single nucleotide variant.
Coding change: c.6097G>A on transcript NM_014014.5 (MANE Select); coding-DNA position 6097, G replaced by A.
Protein change: p.Gly2033Arg; replaces glycine 2033 with arginine.
Molecular consequence: missense variant.
Genome position (GRCh38, 1-based): chr2:96,276,981, C>T on the plus strand (G>A on the coding strand, the complement: SNRNP200 is on the minus strand). VCF-style: chr2-96276981-C-T. GRCh37 (hg19) VCF-style: chr2-96942719-C-T.
Other names: short protein forms G2033R.
Identifiers: ClinVar variation 1397341 (VCV001397341.8), dbSNP rs752450131, ClinGen allele CA1777810.